The following is an entry in ClinVar:

NM_000038.6(APC):c.2456T>G (p.Met819Arg)

Gene: APC (APC regulator of Wnt signaling pathway; plus strand). Cytogenetic location: 5q22.2.
Variant type: single nucleotide variant.
Coding change: c.2456T>G on transcript NM_000038.6 (MANE Select); coding-DNA position 2456, T replaced by G.
Protein change: p.Met819Arg; replaces methionine 819 with arginine.
Molecular consequence: missense variant. On other transcripts: non-coding transcript variant (2).
Genome position (GRCh38, 1-based): chr5:112,838,050, T>G. VCF-style: chr5-112838050-T-G. GRCh37 (hg19) VCF-style: chr5-112173747-T-G.
Other names: c.2372T>G, p.Met791Arg (NM_001354899.2); c.2333T>G, p.Met778Arg (NM_001354900.2); c.2279T>G, p.Met760Arg (NM_001354901.2, NM_001407453.1); c.2183T>G, p.Met728Arg (NM_001354902.2); c.2153T>G, p.Met718Arg (NM_001354903.2, NM_001407458.1, NM_001407459.1 and 1 more transcripts); c.2078T>G, p.Met693Arg (NM_001354904.2); c.1976T>G, p.Met659Arg (NM_001354905.2); c.1607T>G, p.Met536Arg (NM_001354906.2, NM_001407470.1); and 11 more; short protein forms M435R, M659R, M693R, M736R, M760R, M829R, M718R, M801R.
Identifiers: ClinVar variation 4827281 (VCV004827281.1).
Genomic context (GRCh38, chr5:112,838,050, plus strand): 5'-ATGTTTTTGACACCAATCGACATGATGATAATAGGTCAGACAATTTTAATACTGGCAACA[T>G]GACTGTCCTTTCACCATATTTGAATACTACAGTGTTACCCAGCTCCTCTTCATCAAGAGG-3'
Protein context (NP_000029.2, residues 809-829): NRSDNFNTGN[Met819Arg]TVLSPYLNTT

ClinVar aggregate classification (germline): Uncertain significance (1 of 4 stars; one submission).

Conditions:
Hereditary cancer-predisposing syndrome. Also called: Neoplastic Syndromes, Hereditary; Tumor predisposition; Hereditary Cancer Syndrome; Hereditary neoplastic syndrome. Identifiers: Orphanet 140162, MedGen C0027672, MeSH D009386, MONDO:0015356.

Submission:

Ambry Genetics
Classification: Uncertain significance for Hereditary cancer-predisposing syndrome. Last evaluated: 2026-02-24. Review status: criteria provided, single submitter. Criteria: Ambry Variant Classification Scheme 2023. Collection method: clinical testing. Allele origin: germline.
Comment: The p.M819R variant (also known as c.2456T>G), located in coding exon 15 of the APC gene, results from a T to G substitution at nucleotide position 2456. The methionine at codon 819 is replaced by arginine, an amino acid with similar properties. This amino acid position is conserved. In addition, in silico predictors for this gene do not accurately predict pathogenicity. Based on the available evidence, the clinical significance of this variant remains unclear.